The following is an entry in ClinVar:

NM_000465.4(BARD1):c.2197_2200del (p.Cys733fs)

Gene: BARD1 (BRCA1 associated RING domain 1; minus strand). Cytogenetic location: 2q35.
Variant type: Deletion.
Coding change: c.2197_2200del on transcript NM_000465.4 (MANE Select); coding-DNA positions 2197 to 2200, 4 bases deleted (TGCA; older notation c.2197_2200delTGCA).
Protein change: p.Cys733fs; shifts the reading frame from cysteine 733.
Molecular consequence: frameshift variant. On other transcripts: non-coding transcript variant (3).
Genome position (GRCh38, 1-based): chr2:214,728,810-214,728,813, TGCA deleted on the plus strand (TGCA on the coding strand, the reverse complement: BARD1 is on the minus strand). VCF-style (leftmost placement, unchanged base first): chr2-214728809-GTGCA-G. GRCh37 (hg19) VCF-style: chr2-215593533-GTGCA-G.
Other names: c.2140_2143del, p.Cys714fs (NM_001282543.2); c.844_847del, p.Cys282fs (NM_001282545.2); c.787_790del, p.Cys263fs (NM_001282548.2); c.658_661del, p.Cys220fs (NM_001282549.2); short protein forms C220fs, C263fs, C282fs, C714fs, C733fs.
Identifiers: ClinVar variation 4867382 (VCV004867382.1).

ClinVar aggregate classification (germline): Likely pathogenic (1 of 4 stars; one submission).

Conditions:
Hereditary cancer-predisposing syndrome. Also called: Neoplastic Syndromes, Hereditary; Tumor predisposition; Hereditary Cancer Syndrome; Hereditary neoplastic syndrome. Identifiers: Orphanet 140162, MedGen C0027672, MeSH D009386, MONDO:0015356.

Submission:

Ambry Genetics
Classification: Likely pathogenic for Hereditary cancer-predisposing syndrome. Last evaluated: 2026-03-23. Review status: criteria provided, single submitter. Criteria: Ambry Variant Classification Scheme 2023. Collection method: clinical testing. Allele origin: germline.
Comment: The c.2197_2200delTGCA variant, located in coding exon 11 of the BARD1 gene, results from a deletion of 4 nucleotides at nucleotide positions 2197 to 2200, causing a translational frameshift with a predicted alternate stop codon (p.C733Hfs*31). This variant occurs at the 3' terminus of the gene, is not expected to trigger nonsense-mediated mRNA decay, and impacts the last 5.8% of the protein. However, premature stop codons are typically deleterious in nature and a significant portion of the protein is affected (Ambry internal data). This variant is considered to be rare based on population cohorts in the Genome Aggregation Database (gnomAD). Based on the majority of available evidence to date, this variant is likely to be pathogenic.